The following is an entry in ClinVar:

ClinVar aggregate classification (germline): Uncertain significance (1 of 4 stars; one submission).

gnomAD v4.1: 2 of 1,610,296 alleles (0.00012%); highest among the groups gnomAD compares: Non-Finnish European, 0.00017%; no homozygotes.

Submission:

CeGaT Center for Human Genetics Tuebingen
Classification: Uncertain significance. Last evaluated: 2026-01-01. Review status: criteria provided, single submitter. Criteria: CeGaT Center For Human Genetics Tuebingen Variant Classification Criteria Version 2. Collection method: clinical testing. Allele origin: germline. Affected: yes. Observed: 1 variant allele.
Comment: ITPR1: PM2

NM_001378452.1(ITPR1):c.6632G>A (p.Arg2211Gln)

Gene: ITPR1 (inositol 1,4,5-trisphosphate receptor type 1; plus strand). Cytogenetic location: 3p26.1.
Variant type: single nucleotide variant.
Coding change: c.6632G>A on transcript NM_001378452.1 (MANE Select); coding-DNA position 6632, G replaced by A.
Protein change: p.Arg2211Gln; replaces arginine 2211 with glutamine.
Molecular consequence: missense variant.
Genome position (GRCh38, 1-based): chr3:4,787,963, G>A. VCF-style: chr3-4787963-G-A. GRCh37 (hg19) VCF-style: chr3-4829647-G-A.
Other names: c.6488G>A, p.Arg2163Gln (NM_001099952.4); c.6587G>A, p.Arg2196Gln (NM_001168272.2); c.6443G>A, p.Arg2148Gln (NM_002222.7); short protein forms R2148Q, R2163Q, R2196Q, R2211Q.
Identifiers: ClinVar variation 4823181 (VCV004823181.4).